The following is an entry in ClinVar:

NM_032322.4(RNF135):c.202C>T (p.Gln68Ter)

Gene: RNF135 (ring finger protein 135; plus strand). Cytogenetic location: 17q11.2.
Variant type: single nucleotide variant.
Coding change: c.202C>T on transcript NM_032322.4 (MANE Select); coding-DNA position 202, C replaced by T.
Protein change: p.Gln68Ter; replaces glutamine 68 with a stop codon.
Molecular consequence: nonsense.
Genome position (GRCh38, 1-based): chr17:30,971,275, C>T. VCF-style: chr17-30971275-C-T. GRCh37 (hg19) VCF-style: chr17-29298293-C-T.
Other names: c.202C>T, p.Gln68Ter (NM_001184992.2, NM_197939.2); short protein forms Q68*.
Identifiers: ClinVar variation 4885975 (VCV004885975.2).

ClinVar aggregate classification (germline): Uncertain significance (1 of 4 stars; one submission).

Submission:

Dasa
Classification: Uncertain significance. Last evaluated: 2024-10-09. Review status: criteria provided, single submitter. Criteria: DASA Assertion Criteria. Collection method: clinical testing. Allele origin: germline.
Comment: NM_032322.4(RNF135):c.202C>T (p.Gln68*) is a nonsense variant in RNF135 predicted to introduce a premature termination codon. This variant is rare in population databases. The currently available literature and clinical evidence are not sufficient to establish a definitive association between this variant and the reported condition. Therefore, this variant is classified as a variant of uncertain significance.